The following is an entry in ClinVar:

ClinVar aggregate classification (germline): Conflicting classifications of pathogenicity. Review status: criteria provided, conflicting classifications (1 of 4 stars). 2 submissions from 2 submitters: Uncertain significance (1); Likely benign (1). Last evaluated 2023-02-24.

Submissions (2):

Labcorp Genetics (formerly Invitae), Labcorp
Classification: Uncertain significance. Last evaluated: 2023-02-24. Review status: criteria provided, single submitter. Criteria: Invitae Variant Classification Sherloc (09022015). Collection method: clinical testing. Allele origin: germline.
Comment: ClinVar contains an entry for this variant (Variation ID: 210804). This sequence change replaces alanine, which is neutral and non-polar, with proline, which is neutral and non-polar, at codon 728 of the CTNNB1 protein (p.Ala728Pro). This variant is not present in population databases (gnomAD no frequency). This variant has not been reported in the literature in individuals affected with CTNNB1-related conditions. An algorithm developed to predict the effect of missense changes on protein structure and function (PolyPhen-2) suggests that this variant is likely to be tolerated. In summary, the available evidence is currently insufficient to determine the role of this variant in disease. Therefore, it has been classified as a Variant of Uncertain Significance.

Genetic Services Laboratory, University of Chicago
Classification: Likely benign. Last evaluated: 2015-05-15. Review status: criteria provided, single submitter. Criteria: ACMG Guidelines, 2015. Collection method: clinical testing. Allele origin: germline.

NM_001904.4(CTNNB1):c.2182G>C (p.Ala728Pro)

Gene: CTNNB1 (catenin beta 1; plus strand). Cytogenetic location: 3p22.1.
Variant type: single nucleotide variant.
Coding change: c.2182G>C on transcript NM_001904.4 (MANE Select); coding-DNA position 2182, G replaced by C.
Protein change: p.Ala728Pro; replaces alanine 728 with proline.
Molecular consequence: missense variant.
Genome position (GRCh38, 1-based): chr3:41,239,178, G>C. VCF-style: chr3-41239178-G-C. GRCh37 (hg19) VCF-style: chr3-41280669-G-C.
Other names: c.2182G>C, p.Ala728Pro (NM_001098209.2, NM_001098210.2); c.2161G>C, p.Ala721Pro (NM_001330729.2); short protein forms A728P, A721P.
Identifiers: ClinVar variation 210804 (VCV000210804.10), dbSNP rs797045504, ClinGen allele CA205450.